The following is an entry in ClinVar:

ClinVar aggregate classification (germline): Uncertain significance. Review status: criteria provided, multiple submitters, no conflicts (2 of 4 stars). 2 submissions from 2 submitters: Uncertain significance (2). Last evaluated 2024-08-29.

Conditions:
Congenital myopathy with internal nuclei and atypical cores. Also called: Myopathy, centronuclear, 4. Identifiers: Orphanet 319160, MedGen C4707232, MONDO:0013890, OMIM 614807.
Inborn genetic diseases. Identifiers: MedGen C0950123, MeSH D030342.

Allele frequency attached by ClinVar (database versions not stated): gnomAD exomes below 0.00001; TOPMed below 0.00001.
gnomAD v4.1: 3 of 1,595,638 alleles (0.00019%); highest among the groups gnomAD compares: Non-Finnish European, 0.00017%; no homozygotes.

Submissions (2):

Labcorp Genetics (formerly Invitae), Labcorp
Classification: Uncertain significance for Congenital myopathy with internal nuclei and atypical cores. Last evaluated: 2024-08-29. Review status: criteria provided, single submitter. Criteria: Invitae Variant Classification Sherloc (09022015). Collection method: clinical testing. Allele origin: germline.
Comment: This sequence change replaces proline, which is neutral and non-polar, with leucine, which is neutral and non-polar, at codon 320 of the CCDC78 protein (p.Pro320Leu). This variant is not present in population databases (gnomAD no frequency). This variant has not been reported in the literature in individuals affected with CCDC78-related conditions. ClinVar contains an entry for this variant (Variation ID: 2604481). Invitae Evidence Modeling of protein sequence and biophysical properties (such as structural, functional, and spatial information, amino acid conservation, physicochemical variation, residue mobility, and thermodynamic stability) indicates that this missense variant is not expected to disrupt CCDC78 protein function with a negative predictive value of 80%. In summary, the available evidence is currently insufficient to determine the role of this variant in disease. Therefore, it has been classified as a Variant of Uncertain Significance.

Ambry Genetics
Classification: Uncertain significance for Inborn genetic diseases. Last evaluated: 2023-06-16. Review status: criteria provided, single submitter. Criteria: Ambry Variant Classification Scheme 2023. Collection method: clinical testing. Allele origin: germline.

NM_001378030.1(CCDC78):c.959C>T (p.Pro320Leu)

Gene: CCDC78 (coiled-coil domain containing 78; minus strand). Cytogenetic location: 16p13.3.
Variant type: single nucleotide variant.
Coding change: c.959C>T on transcript NM_001378030.1 (MANE Select); coding-DNA position 959, C replaced by T.
Protein change: p.Pro320Leu; replaces proline 320 with leucine.
Molecular consequence: missense variant. On other transcripts: non-coding transcript variant (5), intron variant (1).
Genome position (GRCh38, 1-based): chr16:724,200, G>A on the plus strand (C>T on the coding strand, the complement: CCDC78 is on the minus strand). VCF-style: chr16-724200-G-A. GRCh37 (hg19) VCF-style: chr16-774200-G-A.
Other names: c.959C>T, p.Pro320Leu (NM_001031737.3); c.392C>T, p.Pro131Leu (NM_001378033.1); c.953+122C>T (NM_001378031.1); short protein forms P131L, P320L.
Identifiers: ClinVar variation 2604481 (VCV002604481.4), dbSNP rs2040591165, ClinGen allele CA394099191.